The following is an entry in ClinVar:

ClinVar aggregate classification (germline): Likely benign (1 of 4 stars; one submission).

Conditions:
ASIP-related condition.

gnomAD v4.1: 3 of 1,607,876 alleles (0.00019%); highest among the groups gnomAD compares: Admixed American, 0.0034%; no homozygotes.

Submission:

PreventionGenetics, part of Exact Sciences
Classification: Likely benign for ASIP-related condition. Last evaluated: 2024-10-28. Review status: criteria provided, single submitter. Criteria: ACMG Guidelines, 2015. Collection method: clinical testing. Allele origin: germline.
Comment: This variant is classified as likely benign based on ACMG/AMP sequence variant interpretation guidelines (Richards et al. 2015 PMID: 25741868, with internal and published modifications).

NM_001672.3(ASIP):c.246G>A (p.Val82=)

Genes: AHCY (adenosylhomocysteinase; minus strand), ASIP (agouti signaling protein; plus strand). Cytogenetic location: 20q11.22.
Variant type: single nucleotide variant.
Coding change: c.246G>A on transcript NM_001672.3 (MANE Select); coding-DNA position 246, G replaced by A.
Protein change: p.Val82=; no amino-acid change (valine 82 retained).
Molecular consequence: synonymous variant.
Genome position (GRCh38, 1-based): chr20:34,269,014, G>A. VCF-style: chr20-34269014-G-A. GRCh37 (hg19) VCF-style: chr20-32856820-G-A.
Other names: c.246G>A, p.Val82= (NM_001385218.1).
Identifiers: ClinVar variation 4997757 (VCV004997757.1).